The following is an entry in ClinVar:

ClinVar aggregate classification (germline): Uncertain significance (1 of 4 stars; one submission).

Conditions:
Arrhythmogenic right ventricular dysplasia 8 (ARVD8). Also called: Arrhythmogenic Right Ventricular Dysplasia/Cardiomyopathy 8; ARRHYTHMOGENIC RIGHT VENTRICULAR DYSPLASIA, FAMILIAL, 8; ARRHYTHMOGENIC RIGHT VENTRICULAR CARDIOMYOPATHY 8. Identifiers: MedGen C1843896, MONDO:0011831, OMIM 607450.
Arrhythmogenic cardiomyopathy with wooly hair and keratoderma. Also called: Dilated cardiomyopathy with woolly hair and keratoderma; Arrhythmogenic cardiomyopathy with woolly hair and keratoderma; Carvajal syndrome; PALMOPLANTAR KERATODERMA WITH LEFT VENTRICULAR CARDIOMYOPATHY AND WOOLLY HAIR. Identifiers: Orphanet 65282, MedGen C1854063, MONDO:0011581, OMIM 605676.

Submission:

Labcorp Genetics (formerly Invitae), Labcorp
Classification: Uncertain significance for Arrhythmogenic cardiomyopathy with wooly hair and keratoderma; Arrhythmogenic right ventricular dysplasia 8. Last evaluated: 2022-03-03. Review status: criteria provided, single submitter. Criteria: Invitae Variant Classification Sherloc (09022015). Collection method: clinical testing. Allele origin: germline.
Comment: In summary, the available evidence is currently insufficient to determine the role of this variant in disease. Therefore, it has been classified as a Variant of Uncertain Significance. Algorithms developed to predict the effect of missense changes on protein structure and function (SIFT, PolyPhen-2, Align-GVGD) all suggest that this variant is likely to be disruptive. This variant has not been reported in the literature in individuals affected with DSP-related conditions. This variant is not present in population databases (gnomAD no frequency). This sequence change replaces aspartic acid, which is acidic and polar, with histidine, which is basic and polar, at codon 2512 of the DSP protein (p.Asp2512His).

NM_004415.4(DSP):c.7534G>C (p.Asp2512His)

Gene: DSP (desmoplakin; plus strand). Cytogenetic location: 6p24.3.
Variant type: single nucleotide variant.
Coding change: c.7534G>C on transcript NM_004415.4 (MANE Select); coding-DNA position 7534, G replaced by C.
Protein change: p.Asp2512His; replaces aspartic acid 2512 with histidine.
Molecular consequence: missense variant.
Genome position (GRCh38, 1-based): chr6:7,584,796, G>C. VCF-style: chr6-7584796-G-C. GRCh37 (hg19) VCF-style: chr6-7585029-G-C.
Other names: c.5737G>C, p.Asp1913His (NM_001008844.3); c.6205G>C, p.Asp2069His (NM_001319034.2); short protein forms D1913H, D2069H, D2512H.
Identifiers: ClinVar variation 2105974 (VCV002105974.4), dbSNP rs772574987, ClinGen allele CA362693232.